The following is an entry in ClinVar:

NM_004329.3(BMPR1A):c.735T>G (p.Tyr245Ter)

Gene: BMPR1A (bone morphogenetic protein receptor type 1A; plus strand). Cytogenetic location: 10q23.2.
Variant type: single nucleotide variant.
Coding change: c.735T>G on transcript NM_004329.3 (MANE Select); coding-DNA position 735, T replaced by G.
Protein change: p.Tyr245Ter; replaces tyrosine 245 with a stop codon.
Molecular consequence: nonsense.
Genome position (GRCh38, 1-based): chr10:86,917,193, T>G. VCF-style: chr10-86917193-T-G. GRCh37 (hg19) VCF-style: chr10-88676950-T-G.
Other names: short protein forms Y245*.
Identifiers: ClinVar variation 429104 (VCV000429104.14), dbSNP rs1131691182, ClinGen allele CA377457369.

ClinVar aggregate classification (germline): Pathogenic. Review status: criteria provided, multiple submitters, no conflicts (2 of 4 stars). 4 submissions from 4 submitters: Pathogenic (4). Last evaluated 2025-06-18.

Conditions:
Juvenile polyposis syndrome (JPS). Identifiers: Orphanet 2929, MedGen C0345893, MONDO:0017380, OMIM 174900.
Hereditary cancer-predisposing syndrome. Also called: Hereditary neoplastic syndrome; Tumor predisposition; Neoplastic Syndromes, Hereditary; Hereditary Cancer Syndrome. Identifiers: Orphanet 140162, MedGen C0027672, MeSH D009386, MONDO:0015356.

Submissions (4):

Color Diagnostics, LLC DBA Color Health
Classification: Pathogenic for Hereditary cancer-predisposing syndrome. Last evaluated: 2025-06-18. Review status: criteria provided, single submitter. Criteria: ACMG Guidelines, 2015. Collection method: clinical testing. Allele origin: germline.
Comment: This variant changes 1 nucleotide in exon 9 of the BMPR1A gene, creating a premature translation stop signal. This variant is expected to result in an absent or non-functional protein product. This variant has been reported in at least one individual with multiple juvenile polyps detected in childhood (ClinVar SCV000581500.7). This variant has not been identified in the general population by the Genome Aggregation Database (gnomAD). Loss of BMPR1A function is a known mechanism of disease. Based on the available evidence, this variant is classified as Pathogenic.

Ambry Genetics
Classification: Pathogenic for Hereditary cancer-predisposing syndrome. Last evaluated: 2024-12-18. Review status: criteria provided, single submitter. Criteria: Ambry Variant Classification Scheme 2023. Collection method: clinical testing. Allele origin: germline.
Comment: The p.Y245* pathogenic mutation (also known as c.735T>G), located in coding exon 7 of the BMPR1A gene, results from a T to G substitution at nucleotide position 735. This changes the amino acid from a tyrosine to a stop codon within coding exon 7. This alteration has been observed in at least one individual with multiple juvenile polyps detected in childhood (Ambry internal data). This alteration is expected to result in loss of function by premature protein truncation or nonsense-mediated mRNA decay. As such, this alteration is interpreted as a disease-causing mutation.

Labcorp Genetics (formerly Invitae), Labcorp
Classification: Pathogenic for Juvenile polyposis syndrome. Last evaluated: 2022-11-11. Review status: criteria provided, single submitter. Criteria: Invitae Variant Classification Sherloc (09022015). Collection method: clinical testing. Allele origin: germline.
Comment: This sequence change creates a premature translational stop signal (p.Tyr245*) in the BMPR1A gene. It is expected to result in an absent or disrupted protein product. Loss-of-function variants in BMPR1A are known to be pathogenic (PMID: 11536076, 12417513). This variant is not present in population databases (gnomAD no frequency). This variant has not been reported in the literature in individuals affected with BMPR1A-related conditions. ClinVar contains an entry for this variant (Variation ID: 429104). For these reasons, this variant has been classified as Pathogenic.

Revvity Omics, Revvity
Classification: Pathogenic. Last evaluated: 2019-06-11. Review status: criteria provided, single submitter. Criteria: ACMG Guidelines, 2015. Collection method: clinical testing. Allele origin: germline.

Literature cited by the submitters: PubMed 11536076 (cited by Labcorp Genetics (formerly Invitae), Labcorp); PubMed 12417513 (cited by Labcorp Genetics (formerly Invitae), Labcorp).